The following is an entry in ClinVar:

ClinVar aggregate classification (germline): Uncertain significance (1 of 4 stars; one submission).

Allele frequency attached by ClinVar (database versions not stated): gnomAD exomes below 0.00001.
gnomAD v4.1: 1 of 1,585,022 alleles (0.000063%); highest among the groups gnomAD compares: African/African-American, 0.0013%; no homozygotes.

Submission:

GeneDx
Classification: Uncertain significance. Last evaluated: 2022-11-30. Review status: criteria provided, single submitter. Criteria: GeneDx Variant Classification Process June 2021. Collection method: clinical testing. Allele origin: germline. Affected: yes.
Comment: Not observed at significant frequency in large population cohorts (gnomAD); In silico analysis supports that this missense variant has a deleterious effect on protein structure/function; Has not been previously published as pathogenic or benign to our knowledge

NM_004999.4(MYO6):c.221T>C (p.Leu74Pro)

Gene: MYO6 (myosin VI; plus strand). Cytogenetic location: 6q14.1.
Variant type: single nucleotide variant.
Coding change: c.221T>C on transcript NM_004999.4 (MANE Select); coding-DNA position 221, T replaced by C.
Protein change: p.Leu74Pro; replaces leucine 74 with proline.
Molecular consequence: missense variant. On other transcripts: non-coding transcript variant (2).
Genome position (GRCh38, 1-based): chr6:75,828,573, T>C. VCF-style: chr6-75828573-T-C. GRCh37 (hg19) VCF-style: chr6-76538290-T-C.
Other names: c.221T>C, p.Leu74Pro (NM_001300899.2, NM_001368136.1, NM_001368137.1 and 5 more transcripts); short protein forms L74P.
Identifiers: ClinVar variation 2504262 (VCV002504262.1), dbSNP rs2534951023, ClinGen allele CA364765005.